The following is an entry in ClinVar:

NM_020778.5(ALPK3):c.4469G>A (p.Arg1490Gln)

Gene: ALPK3 (alpha kinase 3; plus strand). Cytogenetic location: 15q25.3.
Variant type: single nucleotide variant.
Coding change: c.4469G>A on transcript NM_020778.5 (MANE Select); coding-DNA position 4469, G replaced by A.
Protein change: p.Arg1490Gln; replaces arginine 1490 with glutamine.
Molecular consequence: missense variant.
Genome position (GRCh38, 1-based): chr15:84,863,610, G>A. VCF-style: chr15-84863610-G-A. GRCh37 (hg19) VCF-style: chr15-85406841-G-A.
Other names: short protein forms R1490Q.
Identifiers: ClinVar variation 1194376 (VCV001194376.12), dbSNP rs752155273, ClinGen allele CA7709977.

ClinVar aggregate classification (germline): Conflicting classifications of pathogenicity. Review status: criteria provided, conflicting classifications (1 of 4 stars). 4 submissions from 4 submitters: Uncertain significance (3); Likely benign (1). Last evaluated 2026-02-25.

Conditions:
ALPK3-related disorder. Also called: ALPK3-related condition.
Cardiovascular phenotype. Identifiers: MedGen CN230736.

Allele frequency attached by ClinVar (database versions not stated): ExAC 0.00001; gnomAD exomes 0.00002 and 0.00004.
gnomAD v4.1: 72 of 1,613,932 alleles (0.0045%); highest among the groups gnomAD compares: Middle Eastern, 0.016%; no homozygotes.

Submissions (4):

PreventionGenetics, part of Exact Sciences
Classification: Uncertain significance for ALPK3-related condition. Last evaluated: 2026-02-25. Review status: criteria provided, single submitter. Criteria: ACMG Guidelines, 2015. Collection method: clinical testing. Allele origin: germline.
Comment: The ALPK3 c.5075G>A variant is predicted to result in the amino acid substitution p.Arg1692Gln. To our knowledge, this variant has not been reported in the literature. This variant is reported in 0.0035% of alleles in individuals of European (Non-Finnish) descent in gnomAD. At this time, the clinical significance of this variant is uncertain due to the absence of conclusive functional and genetic evidence.

Labcorp Genetics (formerly Invitae), Labcorp
Classification: Uncertain significance. Last evaluated: 2025-12-10. Review status: criteria provided, single submitter. Criteria: Invitae Variant Classification Sherloc (09022015). Collection method: clinical testing. Allele origin: germline.
Comment: This sequence change replaces arginine, which is basic and polar, with glutamine, which is neutral and polar, at codon 1692 of the ALPK3 protein (p.Arg1692Gln). This variant is present in population databases (rs752155273, gnomAD 0.003%). This variant has not been reported in the literature in individuals affected with ALPK3-related conditions. ClinVar contains an entry for this variant (Variation ID: 1194376). Invitae Evidence Modeling of protein sequence and biophysical properties (such as structural, functional, and spatial information, amino acid conservation, physicochemical variation, residue mobility, and thermodynamic stability) indicates that this missense variant is not expected to disrupt ALPK3 protein function with a negative predictive value of 80%. In summary, the available evidence is currently insufficient to determine the role of this variant in disease. Therefore, it has been classified as a Variant of Uncertain Significance.

Ambry Genetics
Classification: Likely benign for Cardiovascular phenotype. Last evaluated: 2024-10-25. Review status: criteria provided, single submitter. Criteria: Ambry Variant Classification Scheme 2023. Collection method: clinical testing. Allele origin: germline.

GeneDx
Classification: Uncertain significance. Last evaluated: 2020-09-02. Review status: criteria provided, single submitter. Criteria: GeneDx Variant Classification Process June 2021. Collection method: clinical testing. Allele origin: germline. Affected: yes.
Comment: Not observed at a significant frequency in large population cohorts (Lek et al., 2016); In silico analysis supports that this missense variant does not alter protein structure/function